The following is an entry in ClinVar:

NM_001005242.3(PKP2):c.634C>T (p.Arg212Cys)

Gene: PKP2 (plakophilin 2; minus strand). Cytogenetic location: 12p11.21.
Variant type: single nucleotide variant.
Coding change: c.634C>T on transcript NM_001005242.3 (MANE Select); coding-DNA position 634, C replaced by T.
Protein change: p.Arg212Cys; replaces arginine 212 with cysteine.
Molecular consequence: missense variant.
Genome position (GRCh38, 1-based): chr12:32,878,246, G>A on the plus strand (C>T on the coding strand, the complement: PKP2 is on the minus strand). VCF-style: chr12-32878246-G-A. GRCh37 (hg19) VCF-style: chr12-33031180-G-A.
Other names: c.634C>T, p.Arg212Cys (NM_004572.4); short protein forms R212C.
Identifiers: ClinVar variation 450858 (VCV000450858.23), dbSNP rs766379716, ClinGen allele CA038235.

ClinVar aggregate classification (germline): Uncertain significance. Review status: criteria provided, multiple submitters, no conflicts (2 of 4 stars). 5 submissions from 5 submitters: Uncertain significance (5). Last evaluated 2025-11-21.

Conditions:
Cardiovascular phenotype. Identifiers: MedGen CN230736.
Arrhythmogenic right ventricular cardiomyopathy (ARVD). Also called: Cardiomyopathy, ARVC; Arrhythmogenic right ventricular dysplasia; Arrhythmogenic cardiomyopathy; Arrhythmogenic Right Ventricular Cardiomyopathy (ARVC). Identifiers: Orphanet 247, MedGen C0349788, MeSH D019571, MONDO:0016587. Disease mechanism: loss of function. Inheritance: Various modes of inheritance.
Cardiomyopathy (CMYO). Also called: Cardiomyopathies. Identifiers: Orphanet 167848, MedGen C0878544, MONDO:0004994, HP:0001638. Inheritance: Various modes of inheritance.
Arrhythmogenic right ventricular dysplasia 9 (ARVD9). Also called: Arrhythmogenic Right Ventricular Dysplasia/Cardiomyopathy 9; ARRHYTHMOGENIC RIGHT VENTRICULAR DYSPLASIA, FAMILIAL, 9. Identifiers: MedGen C1836906, MONDO:0012180, OMIM 609040.

Allele frequency attached by ClinVar (database versions not stated): gnomAD exomes below 0.00001 and 0.00001; ExAC 0.00001; TOPMed 0.00003; gnomAD 0.00004 and 0.00005.
gnomAD v4.1: 12 of 1,614,024 alleles (0.00074%); highest among the groups gnomAD compares: Middle Eastern, 0.016%; no homozygotes.

Submissions (5):

Color Diagnostics, LLC DBA Color Health
Classification: Uncertain significance for Cardiomyopathy. Last evaluated: 2025-11-21. Review status: criteria provided, single submitter. Criteria: ACMG Guidelines, 2015. Collection method: clinical testing. Allele origin: germline.
Comment: This missense variant replaces arginine with cysteine at codon 212 of the PKP2 protein. Computational prediction suggests that this variant may not impact protein structure and function. To our knowledge, functional studies have not been reported for this variant. This variant has been reported in an individual affected with left ventricular non-compaction (PMID: 30471092). This variant has been identified in 12/1614024 chromosomes in the general population by the Genome Aggregation Database (gnomAD). The available evidence is insufficient to determine the role of this variant in disease conclusively. Therefore, this variant is classified as a Variant of Uncertain Significance.

Ambry Genetics
Classification: Uncertain significance for Cardiovascular phenotype. Last evaluated: 2025-01-10. Review status: criteria provided, single submitter. Criteria: Ambry Variant Classification Scheme 2023. Collection method: clinical testing. Allele origin: germline.
Comment: The p.R212C variant (also known as c.634C>T), located in coding exon 3 of the PKP2 gene, results from a C to T substitution at nucleotide position 634. The arginine at codon 212 is replaced by cysteine, an amino acid with highly dissimilar properties. This alteration has been reported in a left ventricular non-compaction (LVNC) cohort (Richard P et al. Clin Genet, 2019 03;95:356-367). This amino acid position is well conserved in available vertebrate species. In addition, this alteration is predicted to be tolerated by in silico analysis. Since supporting evidence is limited at this time, the clinical significance of this alteration remains unclear.

All of Us Research Program, National Institutes of Health
Classification: Uncertain significance for Arrhythmogenic right ventricular cardiomyopathy. Last evaluated: 2024-08-13. Review status: criteria provided, single submitter. Criteria: ACMG Guidelines, 2015. Collection method: clinical testing. Allele origin: germline. Inheritance: Autosomal dominant inheritance. Observed: 9 variant alleles, 9 heterozygotes.
Comment: This missense variant replaces arginine with cysteine at codon 212 of the PKP2 protein. Computational prediction tools and conservation analyses are inconclusive regarding the impact of this variant on the protein function. Computational splicing tools suggest that this variant may not impact RNA splicing. To our knowledge, functional assays have not been performed for this variant nor has this variant been reported in individuals affected with cardiovascular disorders in the literature. This variant has been identified in 3/251456 chromosomes in the general population by the Genome Aggregation Database (gnomAD). Available evidence is insufficient to determine the role of this variant in disease conclusively. Therefore, this variant is classified as a Variant of Uncertain Significance.

This study involves interpretation of variants in research participants for the purpose of population health screening. Participant phenotype was not available at the time of variant classification. Additional details can be found in publication PMID: 35346344, PMCID: PMC8962531

GeneDx
Classification: Uncertain significance. Last evaluated: 2024-06-12. Review status: criteria provided, single submitter. Criteria: GeneDx Variant Classification Process June 2021. Collection method: clinical testing. Allele origin: germline. Affected: yes.
Comment: Identified in a cohort of adult patients with isolated LVNC (PMID: 30471092); Not observed at significant frequency in large population cohorts (gnomAD); In silico analysis indicates that this missense variant does not alter protein structure/function; This variant is associated with the following publications: (PMID: 30471092)

Labcorp Genetics (formerly Invitae), Labcorp
Classification: Uncertain significance for Arrhythmogenic right ventricular dysplasia 9. Last evaluated: 2024-04-23. Review status: criteria provided, single submitter. Criteria: Invitae Variant Classification Sherloc (09022015). Collection method: clinical testing. Allele origin: germline.
Comment: This sequence change replaces arginine, which is basic and polar, with cysteine, which is neutral and slightly polar, at codon 212 of the PKP2 protein (p.Arg212Cys). This variant is present in population databases (rs766379716, gnomAD 0.003%). This variant has not been reported in the literature in individuals affected with PKP2-related conditions. ClinVar contains an entry for this variant (Variation ID: 450858). Algorithms developed to predict the effect of missense changes on protein structure and function output the following: SIFT: "Not Available"; PolyPhen-2: "Benign"; Align-GVGD: "Not Available". The cysteine amino acid residue is found in multiple mammalian species, which suggests that this missense change does not adversely affect protein function. In summary, the available evidence is currently insufficient to determine the role of this variant in disease. Therefore, it has been classified as a Variant of Uncertain Significance.

Literature cited by the submitters: PubMed 30471092 (cited by Color Diagnostics, LLC DBA Color Health and Ambry Genetics).